The following is an entry in ClinVar:

NM_152641.4(ARID2):c.1808C>T (p.Ala603Val)

Gene: ARID2 (AT-rich interaction domain 2; plus strand). Cytogenetic location: 12q12.
Variant type: single nucleotide variant.
Coding change: c.1808C>T on transcript NM_152641.4 (MANE Select); coding-DNA position 1808, C replaced by T.
Protein change: p.Ala603Val; replaces alanine 603 with valine.
Molecular consequence: missense variant.
Genome position (GRCh38, 1-based): chr12:45,849,672, C>T. VCF-style: chr12-45849672-C-T. GRCh37 (hg19) VCF-style: chr12-46243455-C-T.
Other names: c.1808C>T, p.Ala603Val (NM_001347839.2); short protein forms A603V.
Identifiers: ClinVar variation 133560 (VCV000133560.6), dbSNP rs144928351, ClinGen allele CA156948.

ClinVar aggregate classification (germline): Likely benign. Review status: criteria provided, multiple submitters, no conflicts (2 of 4 stars). 4 submissions from 4 submitters: Likely benign (3). 1 of the submissions does not count toward it. Last evaluated 2021-09-13.

Conditions:
Coffin-Siris syndrome 6. Identifiers: MedGen C4540499, MONDO:0033492, OMIM 617808.

Allele frequency attached by ClinVar (database versions not stated): ExAC 0.00028; ESP Exome Variant Server 0.00077; TOPMed 0.00083; gnomAD 0.00094 and 0.00100; 1000 Genomes Project 30x 0.00125; 1000 Genomes Project 0.00160.
gnomAD v4.1: 345 of 1,613,866 alleles (0.021%); highest among the groups gnomAD compares: African/African-American, 0.29%; 4 homozygotes.

Submissions (4):

Fulgent Genetics
Classification: Likely benign for Coffin-Siris syndrome 6. Last evaluated: 2021-09-13. Review status: criteria provided, single submitter. Criteria: ACMG Guidelines, 2015. Collection method: clinical testing. Allele origin: unknown.

Labcorp Genetics (formerly Invitae), Labcorp
Classification: Likely benign. Last evaluated: 2018-06-27. Review status: criteria provided, single submitter. Criteria: Invitae Variant Classification Sherloc (09022015). Collection method: clinical testing. Allele origin: germline.

Breakthrough Genomics
Classification: Likely benign. Review status: criteria provided, single submitter. Criteria: ACMG Guidelines, 2015. Collection method: not provided. Allele origin: germline. Inheritance: Autosomal dominant inheritance. Affected: yes.

ITMI
No classification provided. Condition: AllHighlyPenetrant. Last evaluated: 2013-09-19. Review status: no classification provided. Collection method: reference population. Allele origin: germline. Not counted in ClinVar's aggregate classification.
Comment: Please see associated publication for description of ethnicities

Literature cited by the submitters: PubMed 24728327 (cited by ITMI).